The following is an entry in ClinVar:

ClinVar aggregate classification (germline): Likely pathogenic (1 of 4 stars; one submission).

Allele frequency attached by ClinVar (database versions not stated): gnomAD 0.00005; TOPMed 0.00005.
gnomAD v4.1: 112 of 1,614,054 alleles (0.0069%); highest among the groups gnomAD compares: Non-Finnish European, 0.0086%; no homozygotes.

Submission:

Labcorp Genetics (formerly Invitae), Labcorp
Classification: Likely pathogenic. Last evaluated: 2025-09-19. Review status: criteria provided, single submitter. Criteria: Invitae Variant Classification Sherloc (09022015). Collection method: clinical testing. Allele origin: germline.
Comment: This sequence change replaces glycine, which is neutral and non-polar, with alanine, which is neutral and non-polar, at codon 244 of the YARS2 protein (p.Gly244Ala). This variant is present in population databases (rs759320963, gnomAD 0.009%). This missense change has been observed in individual(s) with YARS2-related conditions (PMID: 30026338). In at least one individual the data is consistent with being in trans (on the opposite chromosome) from a pathogenic variant. ClinVar contains an entry for this variant (Variation ID: 2067791). Invitae Evidence Modeling of protein sequence and biophysical properties (such as structural, functional, and spatial information, amino acid conservation, physicochemical variation, residue mobility, and thermodynamic stability) indicates that this missense variant is expected to disrupt YARS2 protein function with a positive predictive value of 95%. In summary, the currently available evidence indicates that the variant is pathogenic, but additional data are needed to prove that conclusively. Therefore, this variant has been classified as Likely Pathogenic.

Literature cited by the submitters: PubMed 30026338.

NM_001040436.3(YARS2):c.731G>C (p.Gly244Ala)

Gene: YARS2 (tyrosyl-tRNA synthetase 2; minus strand). Cytogenetic location: 12p11.21.
Variant type: single nucleotide variant.
Coding change: c.731G>C on transcript NM_001040436.3 (MANE Select); coding-DNA position 731, G replaced by C.
Protein change: p.Gly244Ala; replaces glycine 244 with alanine.
Molecular consequence: missense variant.
Genome position (GRCh38, 1-based): chr12:32,755,144, C>G on the plus strand (G>C on the coding strand, the complement: YARS2 is on the minus strand). VCF-style: chr12-32755144-C-G. GRCh37 (hg19) VCF-style: chr12-32908078-C-G.
Other names: short protein forms G244A.
Identifiers: ClinVar variation 2067791 (VCV002067791.4), dbSNP rs759320963, ClinGen allele CA6508121.
Genomic context (GRCh38, chr12:32,755,144, plus strand): 5'-AAAGGCACTTACTTGTTGATGAACTCATATCCGGACATGATGTTGCCTAGTTGATCAGAT[C>G]CGCCCAGCTGGACCCTGCATCCATAACGCTGGAAGAGGTAATAGAAGTCATAGGCCTGGA-3'
Protein context (NP_001035526.1, residues 234-254): QRYGCRVQLG[Gly244Ala]SDQLGNIMSG